The following is an entry in ClinVar:

ClinVar aggregate classification (germline): Uncertain significance (1 of 4 stars; one submission).

Conditions:
Cardiovascular phenotype. Identifiers: MedGen CN230736.

Submission:

Ambry Genetics
Classification: Uncertain significance for Cardiovascular phenotype. Last evaluated: 2026-07-02. Review status: criteria provided, single submitter. Criteria: Ambry Variant Classification Scheme 2023. Collection method: clinical testing. Allele origin: germline.
Comment: The p.E1082Q variant (also known as c.3244G>C), located in coding exon 21 of the APOB gene, results from a G to C substitution at nucleotide position 3244. The glutamic acid at codon 1082 is replaced by glutamine, an amino acid with highly similar properties. This amino acid position is conserved. In addition, this alteration is predicted to be tolerated by in silico analysis. Based on the available evidence, the clinical significance of this variant remains unclear.

NM_000384.3(APOB):c.3244G>C (p.Glu1082Gln)

Gene: APOB (apolipoprotein B; minus strand). Cytogenetic location: 2p24.1.
Variant type: single nucleotide variant.
Coding change: c.3244G>C on transcript NM_000384.3 (MANE Select); coding-DNA position 3244, G replaced by C.
Protein change: p.Glu1082Gln; replaces glutamic acid 1082 with glutamine.
Molecular consequence: missense variant.
Genome position (GRCh38, 1-based): chr2:21,016,527, C>G on the plus strand (G>C on the coding strand, the complement: APOB is on the minus strand). VCF-style: chr2-21016527-C-G. GRCh37 (hg19) VCF-style: chr2-21239399-C-G.
Other names: short protein forms E1082Q.
Identifiers: ClinVar variation 5027253 (VCV005027253.1).